The following is an entry in ClinVar:

ClinVar aggregate classification (germline): Likely benign (0 of 4 stars; one submission).

Conditions:
CFAP47-related disorder. Also called: CFAP47-related condition.

Allele frequency attached by ClinVar (database versions not stated): 1000 Genomes Project 30x 0.00021; 1000 Genomes Project 0.00026; gnomAD 0.00156; TOPMed 0.00175; gnomAD exomes 0.00203.
gnomAD v4.1: 542 of 296,490 alleles (0.18%); highest among the groups gnomAD compares: Non-Finnish European, 0.29%; no homozygotes.

Submission:

PreventionGenetics, part of Exact Sciences
Classification: Likely benign for CFAP47-related condition. Last evaluated: 2022-11-02. Review status: no assertion criteria provided. Collection method: clinical testing. Allele origin: germline.
Comment: This variant is classified as likely benign based on ACMG/AMP sequence variant interpretation guidelines (Richards et al. 2015 PMID: 25741868, with internal and published modifications).

NM_001304548.2(CFAP47):c.6304A>G (p.Ile2102Val)

Gene: CFAP47 (cilia and flagella associated protein 47; plus strand). Cytogenetic location: Xp21.1.
Variant type: single nucleotide variant.
Coding change: c.6304A>G on transcript NM_001304548.2 (MANE Select); coding-DNA position 6304, A replaced by G.
Protein change: p.Ile2102Val; replaces isoleucine 2102 with valine.
Molecular consequence: missense variant.
Genome position (GRCh38, 1-based): chrX:36,190,179, A>G. VCF-style: chrX-36190179-A-G. GRCh37 (hg19) VCF-style: chrX-36208296-A-G.
Other names: short protein forms I2102V.
Identifiers: ClinVar variation 3049118 (VCV003049118.2), dbSNP rs183808856, ClinGen allele CA328883898.